The following is an entry in ClinVar:

NM_007194.4(CHEK2):c.128C>T (p.Thr43Ile)

Gene: CHEK2 (checkpoint kinase 2; minus strand). Cytogenetic location: 22q12.1.
Variant type: single nucleotide variant.
Coding change: c.128C>T on transcript NM_007194.4 (MANE Select); coding-DNA position 128, C replaced by T.
Protein change: p.Thr43Ile; replaces threonine 43 with isoleucine.
Molecular consequence: missense variant.
Genome position (GRCh38, 1-based): chr22:28,734,594, G>A on the plus strand (C>T on the coding strand, the complement: CHEK2 is on the minus strand). VCF-style: chr22-28734594-G-A. GRCh37 (hg19) VCF-style: chr22-29130582-G-A.
Other names: c.128C>T, p.Thr43Ile (NM_001005735.3, NM_001349956.3, NM_145862.3); c.-650C>T (NM_001257387.3); short protein forms T43I.
Identifiers: ClinVar variation 3492190 (VCV003492190.1).
Genomic context (GRCh38, chr22:28,734,594, plus strand): 5'-AAGGAGCTCAGTGTCCCAGAGCTGGAGTGAGAGGACTGGCTGGAGTTTGGCATCGTGCTG[G>A]TAGAGGAGCTGGATATGCCCTGGGACTGTGAGGAGGAGCCTTGGGACTGGGTAACGCTGC-3'
Protein context (NP_009125.1, residues 33-53): SQSQGISSSS[Thr43Ile]STMPNSSQSS

ClinVar aggregate classification (germline): Uncertain significance (1 of 4 stars; one submission).

Conditions:
Hereditary cancer-predisposing syndrome. Also called: Tumor predisposition; Neoplastic Syndromes, Hereditary; Hereditary Cancer Syndrome; Hereditary neoplastic syndrome. Identifiers: Orphanet 140162, MedGen C0027672, MeSH D009386, MONDO:0015356.

Submission:

Ambry Genetics
Classification: Uncertain significance for Hereditary cancer-predisposing syndrome. Last evaluated: 2024-09-15. Review status: criteria provided, single submitter. Criteria: Ambry Variant Classification Scheme 2023. Collection method: clinical testing. Allele origin: germline.
Comment: The p.T43I variant (also known as c.128C>T), located in coding exon 1 of the CHEK2 gene, results from a C to T substitution at nucleotide position 128. The threonine at codon 43 is replaced by isoleucine, an amino acid with similar properties. This amino acid position is conserved. In addition, this alteration is predicted to be tolerated by in silico analysis. Based on the available evidence, the clinical significance of this variant remains unclear.